The following is an entry in ClinVar:

ClinVar aggregate classification (germline): Uncertain significance (1 of 4 stars; one submission).

Submission:

GeneDx
Classification: Uncertain significance. Last evaluated: 2026-03-10. Review status: criteria provided, single submitter. Criteria: GeneDx Variant Classification Process June 2021. Collection method: clinical testing. Allele origin: germline.
Comment: Not observed at significant frequency in large population cohorts (gnomAD); In silico analysis supports that this missense variant has a deleterious effect on protein structure/function; Has not been previously published as pathogenic or benign to our knowledge

NM_016312.3(WBP11):c.400G>T (p.Val134Leu)

Gene: WBP11 (WW domain binding protein 11; minus strand). Cytogenetic location: 12p12.3.
Variant type: single nucleotide variant.
Coding change: c.400G>T on transcript NM_016312.3 (MANE Select); coding-DNA position 400, G replaced by T.
Protein change: p.Val134Leu; replaces valine 134 with leucine.
Molecular consequence: missense variant.
Genome position (GRCh38, 1-based): chr12:14,795,092, C>A on the plus strand (G>T on the coding strand, the complement: WBP11 is on the minus strand). VCF-style: chr12-14795092-C-A. GRCh37 (hg19) VCF-style: chr12-14948026-C-A.
Other names: short protein forms V134L.
Identifiers: ClinVar variation 5008975 (VCV005008975.1).